The following is an entry in ClinVar:

ClinVar aggregate classification (germline): Uncertain significance (1 of 4 stars; one submission).

Submission:

Labcorp Genetics (formerly Invitae), Labcorp
Classification: Uncertain significance. Last evaluated: 2024-06-24. Review status: criteria provided, single submitter. Criteria: Invitae Variant Classification Sherloc (09022015). Collection method: clinical testing. Allele origin: germline.
Comment: This sequence change replaces threonine, which is neutral and polar, with alanine, which is neutral and non-polar, at codon 47 of the TNFAIP3 protein (p.Thr47Ala). This variant is not present in population databases (gnomAD no frequency). This variant has not been reported in the literature in individuals affected with TNFAIP3-related conditions. Advanced modeling of protein sequence and biophysical properties (such as structural, functional, and spatial information, amino acid conservation, physicochemical variation, residue mobility, and thermodynamic stability) has been performed at Invitae for this missense variant, however the output from this modeling did not meet the statistical confidence thresholds required to predict the impact of this variant on TNFAIP3 protein function. In summary, the available evidence is currently insufficient to determine the role of this variant in disease. Therefore, it has been classified as a Variant of Uncertain Significance.

NM_001270508.2(TNFAIP3):c.139A>G (p.Thr47Ala)

Gene: TNFAIP3 (TNF alpha induced protein 3; plus strand). Cytogenetic location: 6q23.3.
Variant type: single nucleotide variant.
Coding change: c.139A>G on transcript NM_001270508.2 (MANE Select); coding-DNA position 139, A replaced by G.
Protein change: p.Thr47Ala; replaces threonine 47 with alanine.
Molecular consequence: missense variant.
Genome position (GRCh38, 1-based): chr6:137,871,366, A>G. VCF-style: chr6-137871366-A-G. GRCh37 (hg19) VCF-style: chr6-138192503-A-G.
Other names: c.139A>G, p.Thr47Ala (NM_001270507.2, NM_006290.4); short protein forms T47A.
Identifiers: ClinVar variation 3657642 (VCV003657642.2).